The following is an entry in ClinVar:

NM_001267550.2(TTN):c.76565T>C (p.Ile25522Thr)

Genes: TTN (titin; minus strand), TTN-AS1 (TTN antisense RNA 1; plus strand). Cytogenetic location: 2q31.2.
Variant type: single nucleotide variant.
Coding change: c.76565T>C on transcript NM_001267550.2 (MANE Select); coding-DNA position 76565, T replaced by C.
Protein change: p.Ile25522Thr; replaces isoleucine 25522 with threonine.
Molecular consequence: missense variant.
Genome position (GRCh38, 1-based): chr2:178,569,567, A>G on the plus strand (T>C on the coding strand, the complement: TTN is on the minus strand). VCF-style: chr2-178569567-A-G. GRCh37 (hg19) VCF-style: chr2-179434294-A-G.
Other names: c.68861T>C, p.Ile22954Thr (NM_133378.4); c.71642T>C, p.Ile23881Thr (NM_001256850.1); c.49370T>C, p.Ile16457Thr (NM_003319.4); c.49745T>C, p.Ile16582Thr (NM_133432.3); c.49946T>C, p.Ile16649Thr (NM_133437.4); short protein forms I22954T, I25522T, I16582T, I23881T, I16457T, I16649T.
Identifiers: ClinVar variation 178187 (VCV000178187.9), dbSNP rs372963832, ClinGen allele CA181714.

ClinVar aggregate classification (germline): Conflicting classifications of pathogenicity. Review status: criteria provided, conflicting classifications (1 of 4 stars). 4 submissions from 4 submitters: Uncertain significance (3); Likely benign (1). Last evaluated 2025-04-09.

Conditions:
Cardiovascular phenotype. Identifiers: MedGen CN230736.

Allele frequency attached by ClinVar (database versions not stated): gnomAD exomes below 0.00001 and 0.00002; gnomAD 0.00001; ExAC 0.00002; TOPMed 0.00002; ESP Exome Variant Server 0.00008.
gnomAD v4.1: 27 of 1,612,914 alleles (0.0017%); highest among the groups gnomAD compares: Non-Finnish European, 0.0021%; no homozygotes.

Submissions (4):

Molecular Diagnostic Laboratory for Inherited Cardiovascular Disease, Montreal Heart Institute
Classification: Likely benign. Last evaluated: 2025-04-09. Review status: criteria provided, single submitter. Criteria: ACMG Guidelines, 2015. Collection method: clinical testing. Allele origin: germline. Affected: no.
Comment: BP1

Athena Diagnostics
Classification: Uncertain significance. Last evaluated: 2020-04-08. Review status: criteria provided, single submitter. Criteria: Athena Diagnostics Criteria. Collection method: clinical testing. Allele origin: unknown.

Ambry Genetics
Classification: Uncertain significance for Cardiovascular phenotype. Last evaluated: 2019-08-15. Review status: criteria provided, single submitter. Criteria: Ambry Variant Classification Scheme 2023. Collection method: clinical testing. Allele origin: germline.
Comment: The p.I16457T variant (also known as c.49370T>C), located in coding exon 153 of the TTN gene, results from a T to C substitution at nucleotide position 49370. The isoleucine at codon 16457 is replaced by threonine, an amino acid with similar properties. This amino acid position is not well conserved in available vertebrate species. In addition, the in silico prediction for this alteration is inconclusive. Since supporting evidence is limited at this time, the clinical significance of this alteration remains unclear.

Laboratory for Molecular Medicine, Mass General Brigham Personalized Medicine
Classification: Uncertain significance. Last evaluated: 2013-04-30. Review status: criteria provided, single submitter. Criteria: LMM Criteria. Collection method: clinical testing. Allele origin: germline. Observed: 1 variant allele.
Comment: The Ile22954Thr variant in TTN has not been previously reported in individuals w ith cardiomyopathy, but has been identified in 1/3692 African American chromosom es by the NHLBI Exome Sequencing Project. C omputational analyses (biochemical amino acid properties, conservation, AlignGVG D, PolyPhen2, and SIFT) do not provide strong support for or against an impact t o the normal function of the TTN protein. In summary, additional information is needed to fully assess the clinical significance of this variant.